The following is an entry in ClinVar:

ClinVar aggregate classification (germline): Uncertain significance (1 of 4 stars; one submission).

Submission:

GeneDx
Classification: Uncertain significance. Last evaluated: 2022-09-01. Review status: criteria provided, single submitter. Criteria: GeneDx Variant Classification Process June 2021. Collection method: clinical testing. Allele origin: germline. Affected: yes.
Comment: Not observed at significant frequency in large population cohorts (gnomAD); In silico analysis supports that this missense variant has a deleterious effect on protein structure/function; Has not been previously published as pathogenic or benign to our knowledge

NM_004984.4(KIF5A):c.1793T>C (p.Val598Ala)

Gene: KIF5A (kinesin family member 5A; plus strand). Cytogenetic location: 12q13.3.
Variant type: single nucleotide variant.
Coding change: c.1793T>C on transcript NM_004984.4 (MANE Select); coding-DNA position 1793, T replaced by C.
Protein change: p.Val598Ala; replaces valine 598 with alanine.
Molecular consequence: missense variant.
Genome position (GRCh38, 1-based): chr12:57,575,160, T>C. VCF-style: chr12-57575160-T-C. GRCh37 (hg19) VCF-style: chr12-57968943-T-C.
Other names: c.1526T>C, p.Val509Ala (NM_001354705.2); short protein forms V509A, V598A.
Identifiers: ClinVar variation 2442554 (VCV002442554.1), dbSNP rs2540507796, ClinGen allele CA385509030.
Genomic context (GRCh38, chr12:57,575,160, plus strand): 5'-GGGCCATCGAGGAGGAGTTCACTGTGGCCCGACTCTACATCAGCAAAATCAAATCAGAAG[T>C]CAAGTCTGTGGTCAAGCGGTGCCGGCAGCTGGAGAACCTCCAGGTGGAGTGTCACCGCAA-3'
Protein context (NP_004975.2, residues 588-608): RLYISKIKSE[Val598Ala]KSVVKRCRQL